The following is an entry in ClinVar:

NM_024408.4(NOTCH2):c.3155C>T (p.Pro1052Leu)

Gene: NOTCH2 (notch receptor 2; minus strand). Cytogenetic location: 1p12.
Variant type: single nucleotide variant.
Coding change: c.3155C>T on transcript NM_024408.4 (MANE Select); coding-DNA position 3155, C replaced by T.
Protein change: p.Pro1052Leu; replaces proline 1052 with leucine.
Molecular consequence: missense variant.
Genome position (GRCh38, 1-based): chr1:119,940,583, G>A on the plus strand (C>T on the coding strand, the complement: NOTCH2 is on the minus strand). VCF-style: chr1-119940583-G-A. GRCh37 (hg19) VCF-style: chr1-120483206-G-A.
Other names: c.3155C>T, p.Pro1052Leu (NM_001200001.2); short protein forms P1052L.
Identifiers: ClinVar variation 3587084 (VCV003587084.3).

ClinVar aggregate classification (germline): Uncertain significance. Review status: criteria provided, multiple submitters, no conflicts (2 of 4 stars). 2 submissions from 2 submitters: Uncertain significance (2). Last evaluated 2024-04-17.

Conditions:
Alagille syndrome due to a NOTCH2 point mutation. Also called: Alagille syndrome 2. Identifiers: Orphanet 261629, Orphanet 52, MedGen C1857761, MONDO:0012439, OMIM 610205.
Hajdu-Cheney syndrome (HJCYS). Also called: SERPENTINE FIBULA-POLYCYSTIC KIDNEY SYNDROME; Acroosteolysis dominant type; ACROOSTEOLYSIS WITH OSTEOPOROSIS AND CHANGES IN SKULL AND MANDIBLE. Identifiers: Orphanet 955, MedGen C0917715, MONDO:0007057, OMIM 102500.

gnomAD v4.1: 4 of 1,613,922 alleles (0.00025%); highest among the groups gnomAD compares: South Asian, 0.0022%; no homozygotes.

Submissions (2):

Fulgent Genetics
Classification: Uncertain significance for Hajdu-Cheney syndrome; Alagille syndrome due to a NOTCH2 point mutation. Last evaluated: 2024-04-17. Review status: criteria provided, single submitter. Criteria: ACMG Guidelines, 2015. Collection method: clinical testing. Allele origin: germline.

Labcorp Genetics (formerly Invitae), Labcorp
Classification: Uncertain significance for Hajdu-Cheney syndrome. Last evaluated: 2024-03-28. Review status: criteria provided, single submitter. Criteria: Invitae Variant Classification Sherloc (09022015). Collection method: clinical testing. Allele origin: germline.
Comment: This sequence change replaces proline, which is neutral and non-polar, with leucine, which is neutral and non-polar, at codon 1052 of the NOTCH2 protein (p.Pro1052Leu). This variant is present in population databases (no rsID available, gnomAD 0.003%). This variant has not been reported in the literature in individuals affected with NOTCH2-related conditions. Advanced modeling of protein sequence and biophysical properties (such as structural, functional, and spatial information, amino acid conservation, physicochemical variation, residue mobility, and thermodynamic stability) performed at Invitae indicates that this missense variant is not expected to disrupt NOTCH2 protein function with a negative predictive value of 95%. In summary, the available evidence is currently insufficient to determine the role of this variant in disease. Therefore, it has been classified as a Variant of Uncertain Significance.